The following is an entry in ClinVar:

ClinVar aggregate classification (germline): Uncertain significance (1 of 4 stars; one submission).

Conditions:
Cardiovascular phenotype. Identifiers: MedGen CN230736.

Allele frequency attached by ClinVar (database versions not stated): gnomAD exomes below 0.00001.
gnomAD v4.1: 1 of 1,613,312 alleles (0.000062%); highest among the groups gnomAD compares: African/African-American, 0.0013%; no homozygotes.

Submission:

Ambry Genetics
Classification: Uncertain significance for Cardiovascular phenotype. Last evaluated: 2020-01-03. Review status: criteria provided, single submitter. Criteria: Ambry Variant Classification Scheme 2023. Collection method: clinical testing. Allele origin: germline.
Comment: The p.A11792T variant (also known as c.35374G>A), located in coding exon 131 of the TTN gene, results from a G to A substitution at nucleotide position 35374. The alanine at codon 11792 is replaced by threonine, an amino acid with similar properties. This amino acid position is highly conserved in available vertebrate species. In addition, the in silico prediction for this alteration is inconclusive. Since supporting evidence is limited at this time, the clinical significance of this alteration remains unclear.

NM_001267550.2(TTN):c.62569G>A (p.Ala20857Thr)

Genes: TTN (titin; minus strand), TTN-AS1 (TTN antisense RNA 1; plus strand). Cytogenetic location: 2q31.2.
Variant type: single nucleotide variant.
Coding change: c.62569G>A on transcript NM_001267550.2 (MANE Select); coding-DNA position 62569, G replaced by A.
Protein change: p.Ala20857Thr; replaces alanine 20857 with threonine.
Molecular consequence: missense variant.
Genome position (GRCh38, 1-based): chr2:178,589,156, C>T on the plus strand (G>A on the coding strand, the complement: TTN is on the minus strand). VCF-style: chr2-178589156-C-T. GRCh37 (hg19) VCF-style: chr2-179453883-C-T.
Other names: c.35374G>A, p.Ala11792Thr (NM_003319.4); c.54865G>A, p.Ala18289Thr (NM_133378.4); c.35749G>A, p.Ala11917Thr (NM_133432.3); c.35950G>A, p.Ala11984Thr (NM_133437.4); c.57646G>A, p.Ala19216Thr (NM_001256850.1); short protein forms A19216T, A20857T, A11792T, A11984T, A18289T, A11917T.
Identifiers: ClinVar variation 1732407 (VCV001732407.2), dbSNP rs2469380773, ClinGen allele CA349464403.